The following is an entry in ClinVar:

NM_024642.5(GALNT12):c.1393G>T (p.Asp465Tyr)

Gene: GALNT12 (polypeptide N-acetylgalactosaminyltransferase 12; plus strand). Cytogenetic location: 9q22.33.
Variant type: single nucleotide variant.
Coding change: c.1393G>T on transcript NM_024642.5 (MANE Select); coding-DNA position 1393, G replaced by T.
Protein change: p.Asp465Tyr; replaces aspartic acid 465 with tyrosine.
Molecular consequence: missense variant.
Genome position (GRCh38, 1-based): chr9:98,844,144, G>T. VCF-style: chr9-98844144-G-T. GRCh37 (hg19) VCF-style: chr9-101606426-G-T.
Other names: short protein forms D465Y.
Identifiers: ClinVar variation 3518519 (VCV003518519.1).

ClinVar aggregate classification (germline): Uncertain significance (1 of 4 stars; one submission).

Submission:

Ambry Genetics
Classification: Uncertain significance. Last evaluated: 2024-11-28. Review status: criteria provided, single submitter. Criteria: Ambry Variant Classification Scheme 2023. Collection method: clinical testing. Allele origin: germline.
Comment: The p.D465Y variant (also known as c.1393G>T), located in coding exon 8 of the GALNT12 gene, results from a G to T substitution at nucleotide position 1393. The aspartic acid at codon 465 is replaced by tyrosine, an amino acid with highly dissimilar properties. This amino acid position is conserved. In addition, this alteration is predicted to be tolerated by in silico analysis. Based on the available evidence, the clinical significance of this variant remains unclear.